The following is an entry in ClinVar:

ClinVar aggregate classification (germline): Likely pathogenic (1 of 4 stars; one submission).

Conditions:
Congenital lipoid adrenal hyperplasia due to STAR deficency. Also called: ADRENAL HYPERPLASIA I; Congenital Lipoid Adrenal Hyperplasia; Lipoid adrenal hyperplasia; Cholesterol monooxygenase (side-chain cleaving) deficiency. Identifiers: Orphanet 418, Orphanet 90790, MedGen C0342474, MONDO:0008725, OMIM 201710.

gnomAD v4.1: 3 of 1,614,178 alleles (0.00019%); highest among the groups gnomAD compares: Non-Finnish European, 0.00025%; no homozygotes.

Submission:

Natera, Inc.
Classification: Likely pathogenic for Congenital lipoid adrenal hyperplasia. Last evaluated: 2024-08-02. Review status: criteria provided, single submitter. Criteria: Natera Variant Classification Schema (03/2026). Collection method: clinical testing. Allele origin: germline.
Comment: The c.143G>A variant in STAR is a nonsense variant predicted to introduce a stop codon at amino acid 48. This variant is expected to result in nonsense mediated decay, truncation, or a dysfunctional protein product. This variant is rare in the general population with a frequency below the threshold expected for the associated phenotype(s). Given the available evidence, this variant is classified as Likely Pathogenic.

NM_000349.3(STAR):c.143G>A (p.Trp48Ter)

Gene: STAR (steroidogenic acute regulatory protein; minus strand). Cytogenetic location: 8p11.23.
Variant type: single nucleotide variant.
Coding change: c.143G>A on transcript NM_000349.3 (MANE Select); coding-DNA position 143, G replaced by A.
Protein change: p.Trp48Ter; replaces tryptophan 48 with a stop codon.
Molecular consequence: nonsense.
Genome position (GRCh38, 1-based): chr8:38,148,676, C>T on the plus strand (G>A on the coding strand, the complement: STAR is on the minus strand). VCF-style: chr8-38148676-C-T. GRCh37 (hg19) VCF-style: chr8-38006194-C-T.
Other names: short protein forms W48*.
Identifiers: ClinVar variation 4818219 (VCV004818219.1).